The following is an entry in ClinVar:

NM_004329.3(BMPR1A):c.625C>G (p.Leu209Val)

Gene: BMPR1A (bone morphogenetic protein receptor type 1A; plus strand). Cytogenetic location: 10q23.2.
Variant type: single nucleotide variant.
Coding change: c.625C>G on transcript NM_004329.3 (MANE Select); coding-DNA position 625, C replaced by G.
Protein change: p.Leu209Val; replaces leucine 209 with valine.
Molecular consequence: missense variant. On other transcripts: non-coding transcript variant (3), intron variant (1).
Genome position (GRCh38, 1-based): chr10:86,912,334, C>G. VCF-style: chr10-86912334-C-G. GRCh37 (hg19) VCF-style: chr10-88672091-C-G.
Other names: c.700C>G, p.Leu234Val (NM_001406559.1); c.673C>G, p.Leu225Val (NM_001406560.1); c.625C>G, p.Leu209Val (NM_001406561.1, NM_001406562.1, NM_001406563.1 and 20 more transcripts); c.541C>G, p.Leu181Val (NM_001406584.1, NM_001406585.1, NM_001406586.1 and 2 more transcripts); c.334-4800C>G (NM_001406589.1); short protein forms L209V, L181V, L234V, L225V.
Identifiers: ClinVar variation 3481231 (VCV003481231.1).

ClinVar aggregate classification (germline): Uncertain significance (1 of 4 stars; one submission).

Conditions:
Hereditary cancer-predisposing syndrome. Also called: Tumor predisposition; Neoplastic Syndromes, Hereditary; Hereditary Cancer Syndrome; Hereditary neoplastic syndrome. Identifiers: Orphanet 140162, MedGen C0027672, MeSH D009386, MONDO:0015356.

Submission:

Ambry Genetics
Classification: Uncertain significance for Hereditary cancer-predisposing syndrome. Last evaluated: 2024-10-14. Review status: criteria provided, single submitter. Criteria: Ambry Variant Classification Scheme 2023. Collection method: clinical testing. Allele origin: germline.
Comment: The p.L209V variant (also known as c.625C>G), located in coding exon 6 of the BMPR1A gene, results from a C to G substitution at nucleotide position 625. The leucine at codon 209 is replaced by valine, an amino acid with highly similar properties. This amino acid position is conserved. In addition, the in silico prediction for this alteration is inconclusive. Based on the available evidence, the clinical significance of this variant remains unclear.